The following is an entry in ClinVar:

NM_001943.5(DSG2):c.2863C>T (p.Pro955Ser)

Genes: DSG2 (desmoglein 2; plus strand), DSG2-AS1 (DSG2 antisense RNA 1; minus strand). Cytogenetic location: 18q12.1.
Variant type: single nucleotide variant.
Coding change: c.2863C>T on transcript NM_001943.5 (MANE Select); coding-DNA position 2863, C replaced by T.
Protein change: p.Pro955Ser; replaces proline 955 with serine.
Molecular consequence: missense variant.
Genome position (GRCh38, 1-based): chr18:31,546,249, C>T. VCF-style: chr18-31546249-C-T. GRCh37 (hg19) VCF-style: chr18-29126212-C-T.
Other names: short protein forms P955S.
Identifiers: ClinVar variation 926146 (VCV000926146.5), dbSNP rs763151805, ClinGen allele CA047345.

ClinVar aggregate classification (germline): Uncertain significance (1 of 4 stars; one submission).

Conditions:
Cardiomyopathy (CMYO). Also called: Cardiomyopathies. Identifiers: Orphanet 167848, MedGen C0878544, MONDO:0004994, HP:0001638. Inheritance: Various modes of inheritance.

Allele frequency attached by ClinVar (database versions not stated): gnomAD exomes below 0.00001; ExAC 0.00001.
gnomAD v4.1: 1 of 1,606,726 alleles (0.000062%); no homozygotes.

Submission:

Color Diagnostics, LLC DBA Color Health
Classification: Uncertain significance for Cardiomyopathy. Last evaluated: 2023-12-05. Review status: criteria provided, single submitter. Criteria: ACMG Guidelines, 2015. Collection method: clinical testing. Allele origin: germline.
Comment: This missense variant replaces proline with serine at codon 955 of the DSG2 protein. Computational prediction tools and conservation analyses are inconclusive regarding the impact of this variant on protein function. Computational splicing tools suggest that this variant may not impact RNA splicing. To our knowledge, functional assays have not been performed for this variant nor has this variant been reported in individuals affected with cardiovascular disorders in the literature. This variant has been identified in 1/243442 chromosomes in the general population by the Genome Aggregation Database (gnomAD). Available evidence is insufficient to determine the role of this variant in disease conclusively. Therefore, this variant is classified as a Variant of Uncertain Significance.